The following is an entry in ClinVar:

NM_000883.4(IMPDH1):c.1350C>T (p.Gly450=)

Gene: IMPDH1 (inosine monophosphate dehydrogenase 1; minus strand). Cytogenetic location: 7q32.1.
Variant type: single nucleotide variant.
Coding change: c.1350C>T on transcript NM_000883.4 (MANE Select); coding-DNA position 1350, C replaced by T.
Protein change: p.Gly450=; no amino-acid change (glycine 450 retained).
Molecular consequence: synonymous variant.
Genome position (GRCh38, 1-based): chr7:128,395,186, G>A on the plus strand (C>T on the coding strand, the complement: IMPDH1 is on the minus strand). VCF-style: chr7-128395186-G-A. GRCh37 (hg19) VCF-style: chr7-128035240-G-A.
Other names: c.1320C>T, p.Gly440= (NM_001102605.2); c.1095C>T, p.Gly365= (NM_001142573.2); c.1080C>T, p.Gly360= (NM_001142574.2); c.1020C>T, p.Gly340= (NM_001142575.2); c.1251C>T, p.Gly417= (NM_001142576.2); c.1143C>T, p.Gly381= (NM_001304521.2); c.1242C>T, p.Gly414= (NM_183243.3).
Identifiers: ClinVar variation 358874 (VCV000358874.10), dbSNP rs780213373, ClinGen allele CA4470861.
Genomic context (GRCh38, chr7:128,395,186, plus strand): 5'-CTCACCTGTGGAGGCTCCAAGGGCCAGGGCCTTGACCACGTGTCCCACGGTCTGGATGCC[G>A]CCATCGGCTATGATGGGCACACCAAAGCGCCGGGCATACTCAGCCACCTTGTACACAGCA-3'
Protein context (NP_000874.2, residues 440-460): RRFGVPIIAD[Gly450=]GIQTVGHVVK

ClinVar aggregate classification (germline): Conflicting classifications of pathogenicity. Review status: criteria provided, conflicting classifications (1 of 4 stars). 5 submissions from 4 submitters: Uncertain significance (2); Likely benign (3). Last evaluated 2026-01-24.

Conditions:
IMPDH1-related disorder. Also called: IMPDH1-related condition; IMPDH1-related disorders.
Retinitis pigmentosa (RP). Identifiers: Orphanet 791, MedGen C0035334, MeSH D012174, MONDO:0019200, OMIM 268000. Inheritance: Autosomal dominant, autosomal recessive and X linked inheritance.
Leber congenital amaurosis 11 (LCA11). Identifiers: Orphanet 65, MedGen C1840284, MONDO:0013454, OMIM 613837.

Allele frequency attached by ClinVar (database versions not stated): gnomAD exomes 0.00001; ExAC 0.00002; TOPMed 0.00002; gnomAD 0.00005.
gnomAD v4.1: 21 of 1,613,876 alleles (0.0013%); highest among the groups gnomAD compares: African/African-American, 0.008%; no homozygotes.

Submissions (5):

Labcorp Genetics (formerly Invitae), Labcorp
Classification: Likely benign. Last evaluated: 2026-01-24. Review status: criteria provided, single submitter. Criteria: Invitae Variant Classification Sherloc (09022015). Collection method: clinical testing. Allele origin: germline.

PreventionGenetics, part of Exact Sciences
Classification: Likely benign for IMPDH1-related condition. Last evaluated: 2024-10-23. Review status: criteria provided, single submitter. Criteria: ACMG Guidelines, 2015. Collection method: clinical testing. Allele origin: germline.
Comment: This variant is classified as likely benign based on ACMG/AMP sequence variant interpretation guidelines (Richards et al. 2015 PMID: 25741868, with internal and published modifications).

Blueprint Genetics
Classification: Likely benign. Last evaluated: 2024-05-15. Review status: criteria provided, single submitter. Criteria: ACMG Guidelines, 2015. Collection method: clinical testing. Allele origin: germline.

Illumina Laboratory Services, Illumina
Classification: Uncertain significance for Leber congenital amaurosis 11. Last evaluated: 2018-01-13. Review status: criteria provided, single submitter. Criteria: ICSL Variant Classification Criteria 13 December 2019. Collection method: clinical testing. Allele origin: germline.

Illumina Laboratory Services, Illumina
Classification: Uncertain significance for Retinitis pigmentosa. Last evaluated: 2018-01-13. Review status: criteria provided, single submitter. Criteria: ICSL Variant Classification Criteria 13 December 2019. Collection method: clinical testing. Allele origin: germline.